The following is an entry in ClinVar:

ClinVar aggregate classification (germline): Uncertain significance (1 of 4 stars; one submission).

Submission:

Labcorp Genetics (formerly Invitae), Labcorp
Classification: Uncertain significance. Last evaluated: 2022-11-22. Review status: criteria provided, single submitter. Criteria: Invitae Variant Classification Sherloc (09022015). Collection method: clinical testing. Allele origin: germline.
Comment: This sequence change replaces tyrosine, which is neutral and polar, with cysteine, which is neutral and slightly polar, at codon 187 of the TYRP1 protein (p.Tyr187Cys). This variant is not present in population databases (gnomAD no frequency). In summary, the available evidence is currently insufficient to determine the role of this variant in disease. Therefore, it has been classified as a Variant of Uncertain Significance. Advanced modeling of protein sequence and biophysical properties (such as structural, functional, and spatial information, amino acid conservation, physicochemical variation, residue mobility, and thermodynamic stability) has been performed at Invitae for this missense variant, however the output from this modeling did not meet the statistical confidence thresholds required to predict the impact of this variant on TYRP1 protein function. This variant has not been reported in the literature in individuals affected with TYRP1-related conditions.

NM_000550.3(TYRP1):c.560A>G (p.Tyr187Cys)

Gene: TYRP1 (tyrosinase related protein 1; plus strand). Cytogenetic location: 9p23.
Variant type: single nucleotide variant.
Coding change: c.560A>G on transcript NM_000550.3 (MANE Select); coding-DNA position 560, A replaced by G.
Protein change: p.Tyr187Cys; replaces tyrosine 187 with cysteine.
Molecular consequence: missense variant.
Genome position (GRCh38, 1-based): chr9:12,695,689, A>G. VCF-style: chr9-12695689-A-G. GRCh37 (hg19) VCF-style: chr9-12695689-A-G.
Other names: short protein forms Y187C.
Identifiers: ClinVar variation 1906968 (VCV001906968.5), dbSNP rs1818068062, ClinGen allele CA372937556.